The following is an entry in ClinVar:

ClinVar aggregate classification (germline): Uncertain significance. Review status: criteria provided, multiple submitters, no conflicts (2 of 4 stars). 3 submissions from 3 submitters: Uncertain significance (3). Last evaluated 2023-03-15.

Conditions:
PLOD3-related disorder. Also called: PLOD3-related condition.

Allele frequency attached by ClinVar (database versions not stated): gnomAD 0.00003 and 0.00004; gnomAD exomes 0.00003; ExAC 0.00005; TOPMed 0.00005.
gnomAD v4.1: 87 of 1,596,388 alleles (0.0054%); highest among the groups gnomAD compares: Middle Eastern, 0.017%; no homozygotes.

Submissions (3):

PreventionGenetics, part of Exact Sciences
Classification: Uncertain significance for PLOD3-related condition. Last evaluated: 2023-03-15. Review status: criteria provided, single submitter. Criteria: ACMG Guidelines, 2015. Collection method: clinical testing. Allele origin: germline.
Comment: The PLOD3 c.1675G>A variant is predicted to result in the amino acid substitution p.Val559Met. To our knowledge, this variant has not been reported in the literature. This variant is reported in 0.0061% of alleles in individuals of European (Non-Finnish) descent in gnomAD. At this time, the clinical significance of this variant is uncertain due to the absence of conclusive functional and genetic evidence.

Labcorp Genetics (formerly Invitae), Labcorp
Classification: Uncertain significance. Last evaluated: 2022-08-09. Review status: criteria provided, single submitter. Criteria: Invitae Variant Classification Sherloc (09022015). Collection method: clinical testing. Allele origin: germline.
Comment: This sequence change replaces valine, which is neutral and non-polar, with methionine, which is neutral and non-polar, at codon 559 of the PLOD3 protein (p.Val559Met). The frequency data for this variant in the population databases is considered unreliable, as metrics indicate poor data quality at this position in the gnomAD database. This variant has not been reported in the literature in individuals affected with PLOD3-related conditions. ClinVar contains an entry for this variant (Variation ID: 624296). Algorithms developed to predict the effect of missense changes on protein structure and function are either unavailable or do not agree on the potential impact of this missense change (SIFT: "Deleterious"; PolyPhen-2: "Benign"; Align-GVGD: "Class C0"). In summary, the available evidence is currently insufficient to determine the role of this variant in disease. Therefore, it has been classified as a Variant of Uncertain Significance.

CeGaT Center for Human Genetics Tuebingen
Classification: Uncertain significance. Last evaluated: 2018-08-01. Review status: criteria provided, single submitter. Criteria: CeGaT Center For Human Genetics Tuebingen Variant Classification Criteria Version 2. Collection method: clinical testing. Allele origin: germline. Affected: yes. Observed: 1 variant allele.

NM_001084.5(PLOD3):c.1675G>A (p.Val559Met)

Gene: PLOD3 (procollagen-lysine,2-oxoglutarate 5-dioxygenase 3; minus strand). Cytogenetic location: 7q22.1.
Variant type: single nucleotide variant.
Coding change: c.1675G>A on transcript NM_001084.5 (MANE Select); coding-DNA position 1675, G replaced by A.
Protein change: p.Val559Met; replaces valine 559 with methionine.
Molecular consequence: missense variant.
Genome position (GRCh38, 1-based): chr7:101,210,101, C>T on the plus strand (G>A on the coding strand, the complement: PLOD3 is on the minus strand). VCF-style: chr7-101210101-C-T. GRCh37 (hg19) VCF-style: chr7-100853382-C-T.
Other names: c.1675G>A (NM_001084.4); short protein forms V559M.
Identifiers: ClinVar variation 624296 (VCV000624296.46), dbSNP rs746812876, ClinGen allele CA4407576.
Genomic context (GRCh38, chr7:101,210,101, plus strand): 5'-GAGGCGATGGCCATGAGGGCAGGGGGTGGGTGGGGAGGCTGCGTGGGCTCACCTGCTCCA[C>T]GATTCCTTCCCCTTCCAGGGCCCGGCTGTAGTTCTCGTGGATGTACTGCTCCTTCCAGTC-3'
Protein context (NP_001075.1, residues 549-569): YSRALEGEGI[Val559Met]EQPCPDVYWF